The following is an entry in ClinVar:

NM_000406.3(GNRHR):c.*2496G>A

Gene: GNRHR (gonadotropin releasing hormone receptor; minus strand). Cytogenetic location: 4q13.2.
Variant type: single nucleotide variant.
Coding change: c.*2496G>A on transcript NM_000406.3 (MANE Select); 2496 bases downstream of the stop codon, G replaced by A.
Molecular consequence: 3 prime UTR variant.
Genome position (GRCh38, 1-based): chr4:67,737,984, C>T on the plus strand (G>A on the coding strand, the complement: GNRHR is on the minus strand). VCF-style: chr4-67737984-C-T. GRCh37 (hg19) VCF-style: chr4-68603702-C-T.
Other names: c.*2605G>A (NM_001012763.2).
Identifiers: ClinVar variation 349421 (VCV000349421.5), dbSNP rs1038427, ClinGen allele CA10621528.

ClinVar aggregate classification (germline): Benign (1 of 4 stars; one submission).

Conditions:
Hypogonadotropic hypogonadism 7 with or without anosmia (HH7). Also called: HYPOGONADOTROPIC HYPOGONADISM 7 WITHOUT ANOSMIA; GNRHR-Related GnRH Deficiency. Identifiers: Orphanet 432, MedGen C0342384, MONDO:0007794, OMIM 146110.

Allele frequency attached by ClinVar (database versions not stated): 1000 Genomes Project 0.34525; 1000 Genomes Project 30x 0.34916; gnomAD 0.38500 and 0.38965; TOPMed 0.38788.
gnomAD v4.1: 58,293 of 150,928 alleles (39%); highest among the groups gnomAD compares: Middle Eastern, 53%; 11,366 homozygotes.

Submission:

Illumina Laboratory Services, Illumina
Classification: Benign for Hypogonadotropic hypogonadism 7 with or without anosmia. Last evaluated: 2018-01-12. Review status: criteria provided, single submitter. Criteria: ICSL Variant Classification Criteria 13 December 2019. Collection method: clinical testing. Allele origin: germline.
Comment: This variant was observed in the ICSL laboratory as part of a predisposition screen in an ostensibly healthy population. It had not been previously curated by ICSL or reported in the Human Gene Mutation Database (HGMD: prior to June 1st, 2018), and was therefore a candidate for classification through an automated scoring system. Utilizing variant allele frequency, disease prevalence and penetrance estimates, and inheritance mode, an automated score was calculated to assess if this variant is too frequent to cause the disease. Based on the score and internal cut-off values, a variant classified as benign is not then subjected to further curation. The score for this variant resulted in a classification of benign for this disease.